The following is an entry in ClinVar:

NM_000169.3(GLA):c.548-1G>C

Genes: GLA (galactosidase alpha; minus strand), RPL36A-HNRNPH2 (RPL36A-HNRNPH2 readthrough; plus strand). Cytogenetic location: Xq22.1.
Variant type: single nucleotide variant.
Coding change: c.548-1G>C on transcript NM_000169.3 (MANE Select); the canonical splice acceptor site of the intron before coding-DNA position 548, G replaced by C.
Molecular consequence: splice acceptor variant. On other transcripts: intron variant (2).
Genome position (GRCh38, 1-based): chrX:101,400,758, C>G on the plus strand (G>C on the coding strand, the complement: GLA is on the minus strand). VCF-style: chrX-101400758-C-G. GRCh37 (hg19) VCF-style: chrX-100655746-C-G.
Other names: c.300+5301C>G (NM_001199973.2); c.177+8936C>G (NM_001199974.2); c.671-1G>C (NM_001406747.1); c.548-1G>C (NM_001406748.1).
Identifiers: ClinVar variation 4087213 (VCV004087213.2).
Genomic context (GRCh38, chrX:101,400,758, plus strand): 5'-CACAGGAGTACACAATGCTTCTGCCAGTCCTATTCAGGGCCAAGGACATGTGCTTATAAC[C>G]TGTATGAGAAAACAATGGGTAAAATAAGGGAAAGAAATGAATTTCCAGCTGGGGCTATAT-3'

ClinVar aggregate classification (germline): Pathogenic (1 of 4 stars; one submission).

Conditions:
Fabry disease. Also called: ALPHA-GALACTOSIDASE A DEFICIENCY; ANDERSON-FABRY DISEASE; CERAMIDE TRIHEXOSIDASE DEFICIENCY; GLA DEFICIENCY; HEREDITARY DYSTOPIC LIPIDOSIS; Angiokeratoma corporis diffusum. Identifiers: Orphanet 324, MedGen C0002986, MONDO:0010526, OMIM 301500, HP:0001071. Disease mechanism: Fabry disease is due to inactivating mutations in the X-linked GLA gene resulting in deficiency of the enzyme Alpha Galactosidase-A., loss of function.

Submission:

Genomenon, Inc
Classification: Pathogenic for Fabry disease. Last evaluated: 2026-09-08. Review status: criteria provided, single submitter. Criteria: Genomenon Sequence Variant Interpretation Standards - Updated. Collection method: curation. Allele origin: germline. Affected: yes.
Comment: GLA c.548-1G>C is a canonical splice variant affecting the acceptor splice site of intron 3. It is predicted to affect mRNA splicing, leading to a deleterious effect on the GLA protein. This variant has been observed in at least one proband with clinical features consistent with Fabry disease (PMID:10208848;38002959). The variant was found to segregate with disease in at least one affected family (PMID:10208848;38002959). At least one splicing study has demonstrated that this variant results in aberrant splicing (PMID:10208848). It is absent or not present at a significant frequency in gnomAD. In conclusion, we classify GLA c.548-1G>C as a pathogenic variant.

Literature cited by the submitters: PubMed 10208848; PubMed 38002959.